The following is an entry in ClinVar:

ClinVar aggregate classification (germline): Conflicting classifications of pathogenicity. Review status: criteria provided, conflicting classifications (1 of 4 stars). 4 submissions from 4 submitters: Uncertain significance (2); Likely benign (2). Last evaluated 2024-05-14.

Conditions:
KBG syndrome (KBGS). Also called: ANKRD11-Related KBG Syndrome. Identifiers: Orphanet 2332, MedGen C0220687, MONDO:0007846, OMIM 148050.
Inborn genetic diseases. Identifiers: MedGen C0950123, MeSH D030342.

Allele frequency attached by ClinVar (database versions not stated): gnomAD exomes 0.00002; gnomAD 0.00003; TOPMed 0.00003.
gnomAD v4.1: 30 of 1,613,914 alleles (0.0019%); highest among the groups gnomAD compares: East Asian, 0.0045%; no homozygotes.

Submissions (4):

Blueprint Genetics
Classification: Likely benign. Last evaluated: 2024-05-14. Review status: criteria provided, single submitter. Criteria: ACMG Guidelines, 2015. Collection method: clinical testing. Allele origin: germline.

CeGaT Center for Human Genetics Tuebingen
Classification: Likely benign. Last evaluated: 2023-08-01. Review status: criteria provided, single submitter. Criteria: CeGaT Center For Human Genetics Tuebingen Variant Classification Criteria Version 2. Collection method: clinical testing. Allele origin: germline. Affected: yes. Observed: 1 variant allele.
Comment: ANKRD11: BP4

Labcorp Genetics (formerly Invitae), Labcorp
Classification: Uncertain significance for KBG syndrome. Last evaluated: 2022-10-10. Review status: criteria provided, single submitter. Criteria: Invitae Variant Classification Sherloc (09022015). Collection method: clinical testing. Allele origin: germline.
Comment: In summary, the available evidence is currently insufficient to determine the role of this variant in disease. Therefore, it has been classified as a Variant of Uncertain Significance. Advanced modeling of protein sequence and biophysical properties (such as structural, functional, and spatial information, amino acid conservation, physicochemical variation, residue mobility, and thermodynamic stability) performed at Invitae indicates that this missense variant is not expected to disrupt ANKRD11 protein function. This variant has not been reported in the literature in individuals affected with ANKRD11-related conditions. This variant is present in population databases (no rsID available, gnomAD 0.005%). This sequence change replaces aspartic acid, which is acidic and polar, with asparagine, which is neutral and polar, at codon 1081 of the ANKRD11 protein (p.Asp1081Asn).

Ambry Genetics
Classification: Uncertain significance for Inborn genetic diseases. Last evaluated: 2017-09-06. Review status: criteria provided, single submitter. Criteria: Ambry Variant Classification Scheme 2023. Collection method: clinical testing. Allele origin: germline.
Comment: The p.D1081N variant (also known as c.3241G>A), located in coding exon 7 of the ANKRD11 gene, results from a G to A substitution at nucleotide position 3241. The aspartic acid at codon 1081 is replaced by asparagine, an amino acid with highly similar properties. This amino acid position is not well conserved in available vertebrate species. In addition, this alteration is predicted to be tolerated by in silico analysis. Since supporting evidence is limited at this time, the clinical significance of this alteration remains unclear.

NM_013275.6(ANKRD11):c.3241G>A (p.Asp1081Asn)

Gene: ANKRD11 (ankyrin repeat domain 11; minus strand). Cytogenetic location: 16q24.3.
Variant type: single nucleotide variant.
Coding change: c.3241G>A on transcript NM_013275.6 (MANE Select); coding-DNA position 3241, G replaced by A.
Protein change: p.Asp1081Asn; replaces aspartic acid 1081 with asparagine.
Molecular consequence: missense variant.
Genome position (GRCh38, 1-based): chr16:89,283,301, C>T on the plus strand (G>A on the coding strand, the complement: ANKRD11 is on the minus strand). VCF-style: chr16-89283301-C-T. GRCh37 (hg19) VCF-style: chr16-89349709-C-T.
Other names: c.3241G>A, p.Asp1081Asn (NM_001256182.2, NM_001256183.2); short protein forms D1081N.
Identifiers: ClinVar variation 1729308 (VCV001729308.30), dbSNP rs1384052546, ClinGen allele CA397160264.
Genomic context (GRCh38, chr16:89,283,301, plus strand): 5'-CAGAGAAGTCTTCTGAGATGATCCCAGGGAAAGCCTTCTCCTTCTTCTCTTTCCCTTGGT[C>T]GAGAGACGCTTTCCTTTCTTTGTCTTTGCCATGTGTGTCTTTATGTTTTTCCTTGGTATC-3'
Protein context (NP_037407.4, residues 1071-1091): GKDKERKASL[Asp1081Asn]QGKEKKEKAF